The following is an entry in ClinVar:

NM_006767.4(LZTR1):c.321G>A (p.Arg107=)

Gene: LZTR1 (leucine zipper like post translational regulator 1; plus strand). Cytogenetic location: 22q11.21.
Variant type: single nucleotide variant.
Coding change: c.321G>A on transcript NM_006767.4 (MANE Select); coding-DNA position 321, G replaced by A.
Protein change: p.Arg107=; no amino-acid change (arginine 107 retained).
Molecular consequence: synonymous variant.
Genome position (GRCh38, 1-based): chr22:20,987,504, G>A. VCF-style: chr22-20987504-G-A. GRCh37 (hg19) VCF-style: chr22-21341793-G-A.
Identifiers: ClinVar variation 2782032 (VCV002782032.3), dbSNP rs1888638669, ClinGen allele CA513489110.

ClinVar aggregate classification (germline): Uncertain significance (1 of 4 stars; one submission).

Submission:

Labcorp Genetics (formerly Invitae), Labcorp
Classification: Uncertain significance. Last evaluated: 2023-01-24. Review status: criteria provided, single submitter. Criteria: Invitae Variant Classification Sherloc (09022015). Collection method: clinical testing. Allele origin: germline.
Comment: This sequence change affects codon 107 of the LZTR1 mRNA. It is a 'silent' change, meaning that it does not change the encoded amino acid sequence of the LZTR1 protein. It affects a nucleotide within the consensus splice site. In summary, the available evidence is currently insufficient to determine the role of this variant in disease. Therefore, it has been classified as a Variant of Uncertain Significance. Algorithms developed to predict the effect of sequence changes on RNA splicing suggest that this variant is not likely to affect RNA splicing. This variant has not been reported in the literature in individuals affected with LZTR1-related conditions. This variant is not present in population databases (gnomAD no frequency).